The following is an entry in ClinVar:

ClinVar aggregate classification (germline): Uncertain significance (1 of 4 stars; one submission).

Conditions:
Inborn genetic diseases. Identifiers: MedGen C0950123, MeSH D030342.

gnomAD v4.1: 1 of 1,614,038 alleles (0.000062%); highest among the groups gnomAD compares: Non-Finnish European, 0.000085%; no homozygotes.

Submission:

Ambry Genetics
Classification: Uncertain significance for Inborn genetic diseases. Last evaluated: 2025-06-06. Review status: criteria provided, single submitter. Criteria: Ambry Variant Classification Scheme 2023. Collection method: clinical testing. Allele origin: germline.
Comment: The p.G514D variant (also known as c.1541G>A), located in coding exon 7 of the SH2B3 gene, results from a G to A substitution at nucleotide position 1541. The glycine at codon 514 is replaced by aspartic acid, an amino acid with similar properties. This amino acid position is conserved. In addition, this alteration is predicted to be tolerated by in silico analysis. Based on the available evidence, the clinical significance of this variant remains unclear.

NM_005475.3(SH2B3):c.1541G>A (p.Gly514Asp)

Gene: SH2B3 (SH2B adaptor protein 3; plus strand). Cytogenetic location: 12q24.12.
Variant type: single nucleotide variant.
Coding change: c.1541G>A on transcript NM_005475.3 (MANE Select); coding-DNA position 1541, G replaced by A.
Protein change: p.Gly514Asp; replaces glycine 514 with aspartic acid.
Molecular consequence: missense variant.
Genome position (GRCh38, 1-based): chr12:111,448,115, G>A. VCF-style: chr12-111448115-G-A. GRCh37 (hg19) VCF-style: chr12-111885919-G-A.
Other names: c.935G>A, p.Gly312Asp (NM_001291424.1); short protein forms G514D, G312D.
Identifiers: ClinVar variation 3953561 (VCV003953561.1).